The following is an entry in ClinVar:

NM_201384.3(PLEC):c.5774_5775del (p.Glu1925fs)

Gene: PLEC (plectin; minus strand). Cytogenetic location: 8q24.3.
Variant type: Deletion.
Coding change: c.5774_5775del on transcript NM_201384.3 (MANE Select); coding-DNA positions 5774 to 5775, 2 bases deleted (AG; older notation c.5774_5775delAG).
Protein change: p.Glu1925fs; shifts the reading frame from glutamic acid 1925.
Molecular consequence: frameshift variant.
Genome position (GRCh38, 1-based): chr8:143,924,154-143,924,155, CT deleted on the plus strand (AG on the coding strand, the reverse complement: PLEC is on the minus strand); deleting any 2 consecutive bases within chr8:143,924,154-143,924,156 gives the same sequence; the c. name uses the placement nearest the transcript's 3' end. VCF-style (leftmost placement, unchanged base first): chr8-143924153-CCT-C. GRCh37 (hg19) VCF-style: chr8-144998321-CCT-C.
Other names: c.5855_5856del, p.Glu1952fs (NM_000445.5); c.5732_5733del, p.Glu1911fs (NM_201378.4); c.5708_5709del, p.Glu1903fs (NM_201379.3); c.6185_6186del, p.Glu2062fs (NM_201380.4); c.5678_5679del, p.Glu1893fs (NM_201381.3); c.5774_5775del, p.Glu1925fs (NM_201382.4); c.5786_5787del, p.Glu1929fs (NM_201383.3); short protein forms E1925fs, E2062fs, E1893fs, E1903fs, E1911fs, E1952fs, E1929fs.
Identifiers: ClinVar variation 817031 (VCV000817031.1), dbSNP rs1586903449, ClinGen allele CA915948810.

ClinVar aggregate classification (germline): Pathogenic (1 of 4 stars; one submission).

Submission:

GeneDx
Classification: Pathogenic. Last evaluated: 2018-09-26. Review status: criteria provided, single submitter. Criteria: GeneDx Variant Classification (06012015). Collection method: clinical testing. Allele origin: germline. Affected: yes.
Comment: The c.5855_5856delAG variant in the PLEC gene has been reported previously using alternate nomenclature (c.5905del2) in a homozygous individual with autosomal recessive epidermolysis bullosa presenting with cutaneous blistering and hoarse cry at birth (Mellerio et al., 1997). The c.5855_5856delAG variant causes a frameshift starting with codon Glutamic Acid 1952, changes this amino acid to a Glycine residue, and creates a premature Stop codon at position 60 of the new reading frame, denoted p.E1952GfsX60. This variant is predicted to cause loss of normal protein function either through protein truncation or nonsense-mediated mRNA decay. The c.5855_5856delAG variant is not observed in large population cohorts (Lek et al., 2016). We interpret c.5855_5856delAG as a pathogenic variant.